The following is an entry in ClinVar:

NM_001267550.2(TTN):c.98952C>T (p.Ser32984=)

Genes: TTN (titin; minus strand), TTN-AS1 (TTN antisense RNA 1; plus strand). Cytogenetic location: 2q31.2.
Variant type: single nucleotide variant.
Coding change: c.98952C>T on transcript NM_001267550.2 (MANE Select); coding-DNA position 98952, C replaced by T.
Protein change: p.Ser32984=; no amino-acid change (serine 32984 retained).
Molecular consequence: synonymous variant. On other transcripts: non-coding transcript variant (1).
Genome position (GRCh38, 1-based): chr2:178,538,983, G>A on the plus strand (C>T on the coding strand, the complement: TTN is on the minus strand). VCF-style: chr2-178538983-G-A. GRCh37 (hg19) VCF-style: chr2-179403710-G-A.
Other names: c.94029C>T, p.Ser31343= (NM_001256850.1); c.71757C>T, p.Ser23919= (NM_003319.4); c.91248C>T, p.Ser30416= (NM_133378.4); c.72132C>T, p.Ser24044= (NM_133432.3); c.72333C>T, p.Ser24111= (NM_133437.4).
Identifiers: ClinVar variation 1151577 (VCV001151577.12), dbSNP rs377071916, ClinGen allele CA1986286.

ClinVar aggregate classification (germline): Likely benign. Review status: criteria provided, multiple submitters, no conflicts (2 of 4 stars). 3 submissions from 3 submitters: Likely benign (3). Last evaluated 2026-03-24.

Conditions:
Cardiovascular phenotype. Identifiers: MedGen CN230736.
TTN-related disorder. Also called: TTN-related disorders; TTN-related condition; TTN-related disease.
Dilated cardiomyopathy 1G (CMD1G). Identifiers: Orphanet 154, MedGen C1858763, MONDO:0011400, OMIM 604145.
Autosomal recessive limb-girdle muscular dystrophy type 2J (LGMDR10). Also called: Limb-girdle muscular dystrophy, type 2J; MUSCULAR DYSTROPHY, LIMB-GIRDLE, AUTOSOMAL RECESSIVE 10. Identifiers: Orphanet 140922, MedGen C1837342, MONDO:0012127, OMIM 608807.

Allele frequency attached by ClinVar (database versions not stated): gnomAD 0.00002; gnomAD exomes 0.00002; TOPMed 0.00002; ExAC 0.00003; ESP Exome Variant Server 0.00008.
gnomAD v4.1: 20 of 1,612,254 alleles (0.0012%); highest among the groups gnomAD compares: African/African-American, 0.0027%; no homozygotes.

Submissions (3):

PreventionGenetics, part of Exact Sciences
Classification: Likely benign for TTN-related condition. Last evaluated: 2026-03-24. Review status: criteria provided, single submitter. Criteria: ACMG Guidelines, 2015. Collection method: clinical testing. Allele origin: germline.
Comment: This variant is classified as likely benign based on ACMG/AMP sequence variant interpretation guidelines (Richards et al. 2015 PMID: 25741868, with internal and published modifications).

Labcorp Genetics (formerly Invitae), Labcorp
Classification: Likely benign for Dilated cardiomyopathy 1G; Autosomal recessive limb-girdle muscular dystrophy type 2J. Last evaluated: 2025-12-22. Review status: criteria provided, single submitter. Criteria: Invitae Variant Classification Sherloc (09022015). Collection method: clinical testing. Allele origin: germline.

Ambry Genetics
Classification: Likely benign for Cardiovascular phenotype. Last evaluated: 2021-12-01. Review status: criteria provided, single submitter. Criteria: Ambry Variant Classification Scheme 2023. Collection method: clinical testing. Allele origin: germline.